The following is an entry in ClinVar:

NM_022437.3(ABCG8):c.546C>T (p.Ala182=)

Gene: ABCG8 (ATP binding cassette subfamily G member 8; plus strand). Cytogenetic location: 2p21.
Variant type: single nucleotide variant.
Coding change: c.546C>T on transcript NM_022437.3 (MANE Select); coding-DNA position 546, C replaced by T.
Protein change: p.Ala182=; no amino-acid change (alanine 182 retained).
Molecular consequence: synonymous variant.
Genome position (GRCh38, 1-based): chr2:43,851,807, C>T. VCF-style: chr2-43851807-C-T. GRCh37 (hg19) VCF-style: chr2-44078946-C-T.
Other names: c.546C>T, p.Ala182= (NM_001357321.2).
Identifiers: ClinVar variation 596051 (VCV000596051.12), dbSNP rs774395087, ClinGen allele CA1637045.

ClinVar aggregate classification (germline): Conflicting classifications of pathogenicity. Review status: criteria provided, conflicting classifications (1 of 4 stars). 5 submissions from 5 submitters: Uncertain significance (1); Likely benign (4). Last evaluated 2025-05-05.

Conditions:
ABCG8-related disorder. Also called: ABCG8-related condition.
Cardiovascular phenotype. Identifiers: MedGen CN230736.

Allele frequency attached by ClinVar (database versions not stated): TOPMed 0.00005; ExAC 0.00009; gnomAD 0.00010 and 0.00011; gnomAD exomes 0.00017 and 0.00020.
gnomAD v4.1: 293 of 1,614,082 alleles (0.018%); highest among the groups gnomAD compares: Non-Finnish European, 0.017%; no homozygotes.

Submissions (5):

PreventionGenetics, part of Exact Sciences
Classification: Likely benign for ABCG8-related condition. Last evaluated: 2025-05-05. Review status: criteria provided, single submitter. Criteria: ACMG Guidelines, 2015. Collection method: clinical testing. Allele origin: germline.
Comment: This variant is classified as likely benign based on ACMG/AMP sequence variant interpretation guidelines (Richards et al. 2015 PMID: 25741868, with internal and published modifications).

Labcorp Genetics (formerly Invitae), Labcorp
Classification: Likely benign. Last evaluated: 2025-04-02. Review status: criteria provided, single submitter. Criteria: Invitae Variant Classification Sherloc (09022015). Collection method: clinical testing. Allele origin: germline.

Women's Health and Genetics/Laboratory Corporation of America, LabCorp
Classification: Likely benign. Last evaluated: 2023-08-01. Review status: criteria provided, single submitter. Criteria: LabCorp Variant Classification Summary - May 2015. Collection method: clinical testing. Allele origin: germline.

Ambry Genetics
Classification: Likely benign for Cardiovascular phenotype. Last evaluated: 2019-04-03. Review status: criteria provided, single submitter. Criteria: Ambry Variant Classification Scheme 2023. Collection method: clinical testing. Allele origin: germline.

Eurofins Ntd Llc (ga)
Classification: Uncertain significance. Last evaluated: 2018-02-08. Review status: criteria provided, single submitter. Criteria: EGL Classification Definitions 2015. Collection method: clinical testing. Allele origin: germline. Observed: 1 variant allele, 1 heterozygote.